The following is an entry in ClinVar:

ClinVar aggregate classification (germline): Pathogenic. Review status: criteria provided, multiple submitters, no conflicts (2 of 4 stars). 2 submissions from 2 submitters: Pathogenic (2). Last evaluated 2026-05-05.

Conditions:
Hereditary cancer-predisposing syndrome. Also called: Tumor predisposition; Hereditary neoplastic syndrome; Neoplastic Syndromes, Hereditary; Hereditary Cancer Syndrome. Identifiers: Orphanet 140162, MedGen C0027672, MeSH D009386, MONDO:0015356.
Birt-Hogg-Dube syndrome. Also called: Birt Hogg Dubé syndrome. Identifiers: Orphanet 122, MedGen C0346010, MONDO:0800444.

Submissions (2):

Ambry Genetics
Classification: Pathogenic for Hereditary cancer-predisposing syndrome. Last evaluated: 2026-05-05. Review status: criteria provided, single submitter. Criteria: Ambry Variant Classification Scheme 2023. Collection method: clinical testing. Allele origin: germline.
Comment: The c.1300+2T>A intronic pathogenic mutation results from a T to A substitution two nucleotide(s) after coding exon 8 of the FLCN gene. Other variant(s) impacting the same donor site (c.1300+1G>A, c.1300+1G>C) have been identified in individual(s) with features consistent with Birt-Hogg-Dube syndrome (Ambry internal data). This variant is considered to be rare based on population cohorts in the Genome Aggregation Database (gnomAD). This nucleotide position is highly conserved in available vertebrate species. In silico splice site analysis predicts that this alteration will weaken the native splice donor site. Variants that disrupt the canonical splice site are expected to cause aberrant splicing, resulting in an abnormal protein or a transcript that is subject to nonsense-mediated mRNA decay. As such, this variant is classified as a disease-causing mutation.

Labcorp Genetics (formerly Invitae), Labcorp
Classification: Pathogenic for Birt-Hogg-Dube syndrome. Last evaluated: 2025-04-11. Review status: criteria provided, single submitter. Criteria: Invitae Variant Classification Sherloc (09022015). Collection method: clinical testing. Allele origin: germline.
Comment: This sequence change affects a donor splice site in intron 11 of the FLCN gene. It is expected to disrupt RNA splicing. Variants that disrupt the donor or acceptor splice site typically lead to a loss of protein function (PMID: 16199547), and loss-of-function variants in FLCN are known to be pathogenic (PMID: 15852235). This variant is not present in population databases (gnomAD no frequency). Disruption of this splice site has been observed in individuals with Birt-Hogg-Dubé syndrome (PMID: 20618353, 31266032). It has also been observed to segregate with disease in related individuals. ClinVar contains an entry for this variant (Variation ID: 2811092). Algorithms developed to predict the effect of sequence changes on RNA splicing suggest that this variant may disrupt the consensus splice site. For these reasons, this variant has been classified as Pathogenic.

Literature cited by the submitters: PubMed 16199547 (cited by Labcorp Genetics (formerly Invitae), Labcorp); PubMed 15852235 (cited by Labcorp Genetics (formerly Invitae), Labcorp); PubMed 20618353 (cited by Labcorp Genetics (formerly Invitae), Labcorp); PubMed 31266032 (cited by Labcorp Genetics (formerly Invitae), Labcorp).

NM_144997.7(FLCN):c.1300+2T>A

Gene: FLCN (folliculin; minus strand). Cytogenetic location: 17p11.2.
Variant type: single nucleotide variant.
Coding change: c.1300+2T>A on transcript NM_144997.7 (MANE Select); the canonical splice donor site of the intron after coding-DNA position 1300, T replaced by A.
Molecular consequence: splice donor variant.
Genome position (GRCh38, 1-based): chr17:17,216,378, A>T on the plus strand (T>A on the coding strand, the complement: FLCN is on the minus strand). VCF-style: chr17-17216378-A-T. GRCh37 (hg19) VCF-style: chr17-17119692-A-T.
Other names: c.1300+2T>A (NM_001353231.2, NM_001353230.2, NM_144997.5); c.1354+2T>A (NM_001353229.2).
Identifiers: ClinVar variation 2811092 (VCV002811092.4), dbSNP rs1064793766, ClinGen allele CA398531563.